The following is an entry in ClinVar:

NM_020921.4(NIN):c.5264C>T (p.Ala1755Val)

Gene: NIN (ninein; minus strand). Cytogenetic location: 14q22.1.
Variant type: single nucleotide variant.
Coding change: c.5264C>T on transcript NM_020921.4 (MANE Select); coding-DNA position 5264, C replaced by T.
Protein change: p.Ala1755Val; replaces alanine 1755 with valine.
Molecular consequence: missense variant.
Genome position (GRCh38, 1-based): chr14:50,743,453, G>A on the plus strand (C>T on the coding strand, the complement: NIN is on the minus strand). VCF-style: chr14-50743453-G-A. GRCh37 (hg19) VCF-style: chr14-51210171-G-A.
Other names: c.3125C>T, p.Ala1042Val (NM_016350.5); c.5264C>T, p.Ala1755Val (NM_182944.3, NM_182946.2); short protein forms A1755V, A1042V.
Identifiers: ClinVar variation 211616 (VCV000211616.12), dbSNP rs758555048, ClinGen allele CA208222.
Genomic context (GRCh38, chr14:50,743,453, plus strand): 5'-TGAAACAAGAATTGTCCATGTACCTTTTCCTGAGAAGCCACCAGCTGTGACTTTAAGCTC[G>A]CACTCTGATGTTCCCAGGATTTCTGTTCCTGCTTCATCGTCGCAATTCTATGCTCTAAAA-3'
Protein context (NP_065972.4, residues 1745-1765): QEQKSWEHQS[Ala1755Val]SLKSQLVASQ

ClinVar aggregate classification (germline): Uncertain significance. Review status: criteria provided, multiple submitters, no conflicts (2 of 4 stars). 2 submissions from 2 submitters: Uncertain significance (2). Last evaluated 2025-04-22.

Allele frequency attached by ClinVar (database versions not stated): TOPMed 0.00001; ExAC 0.00002; gnomAD 0.00002; gnomAD exomes 0.00002.
gnomAD v4.1: 36 of 1,613,268 alleles (0.0022%); highest among the groups gnomAD compares: East Asian, 0.0045%; no homozygotes.

Submissions (3):

Labcorp Genetics (formerly Invitae), Labcorp
Classification: Uncertain significance. Last evaluated: 2025-04-22. Review status: criteria provided, single submitter. Criteria: Invitae Variant Classification Sherloc (09022015). Collection method: clinical testing. Allele origin: germline.
Comment: This sequence change replaces alanine, which is neutral and non-polar, with valine, which is neutral and non-polar, at codon 1755 of the NIN protein (p.Ala1755Val). This variant is present in population databases (rs758555048, gnomAD 0.004%). This variant has not been reported in the literature in individuals affected with NIN-related conditions. ClinVar contains an entry for this variant (Variation ID: 211616). An algorithm developed to predict the effect of missense changes on protein structure and function (PolyPhen-2) suggests that this variant is likely to be tolerated. In summary, the available evidence is currently insufficient to determine the role of this variant in disease. Therefore, it has been classified as a Variant of Uncertain Significance.

Genetic Services Laboratory, University of Chicago
Classification: Uncertain significance. Last evaluated: 2014-04-04. Review status: criteria provided, single submitter. Criteria: ACMG Guidelines, 2007. Collection method: clinical testing. Allele origin: germline.

Dr. Peter K. Rogan Lab, Western University
No classification provided (evidence only). Condition: Sarcoma. Review status: no classification provided. Collection method: in vitro. Allele origin: not applicable. Functional consequence: retained intron. Not counted in ClinVar's aggregate classification.